The following is an entry in ClinVar:

NM_058216.3(RAD51C):c.826C>T (p.His276Tyr)

Gene: RAD51C (RAD51 paralog C; plus strand). Cytogenetic location: 17q22.
Variant type: single nucleotide variant.
Coding change: c.826C>T on transcript NM_058216.3 (MANE Select); coding-DNA position 826, C replaced by T.
Protein change: p.His276Tyr; replaces histidine 276 with tyrosine.
Molecular consequence: missense variant. On other transcripts: non-coding transcript variant (1).
Genome position (GRCh38, 1-based): chr17:58,709,979, C>T. VCF-style: chr17-58709979-C-T. GRCh37 (hg19) VCF-style: chr17-56787340-C-T.
Other names: short protein forms H276Y.
Identifiers: ClinVar variation 576615 (VCV000576615.17), dbSNP rs1567799906, ClinGen allele CA400354424.
Genomic context (GRCh38, chr17:58,709,979, plus strand): 5'-TCTCTTCGTACTCGGTTATTAAATGGCCTAGCCCAGCAAATGATCAGCCTTGCAAATAAT[C>T]ACAGATTAGCTGTAAGTATTAACTAGTGAAGAGAGTTTTATAACAAAGTCAAGACTGTAT-3'
Protein context (NP_478123.1, residues 266-286): AQQMISLANN[His276Tyr]RLAVILTNQM

ClinVar aggregate classification (germline): Conflicting classifications of pathogenicity. Review status: criteria provided, conflicting classifications (1 of 4 stars). 3 submissions from 3 submitters: Uncertain significance (2); Benign (1). Last evaluated 2025-10-28.

Conditions:
Breast-ovarian cancer, familial, susceptibility to, 3. Also called: RAD51C-Related Breast/Ovarian Cancer. Identifiers: Orphanet 145, MedGen C3150659, MONDO:0013253, OMIM 613399.
Fanconi anemia complementation group O. Also called: RAD51C-Related Fanconi Anemia. Identifiers: Orphanet 84, MedGen C3150653, MONDO:0013248, OMIM 613390.
Hereditary cancer-predisposing syndrome. Also called: Hereditary neoplastic syndrome; Tumor predisposition; Hereditary Cancer Syndrome; Neoplastic Syndromes, Hereditary. Identifiers: Orphanet 140162, MedGen C0027672, MeSH D009386, MONDO:0015356.

Allele frequency attached by ClinVar (database versions not stated): gnomAD exomes below 0.00001.
gnomAD v4.1: 1 of 1,612,666 alleles (0.000062%); highest among the groups gnomAD compares: Non-Finnish European, 0.000085%; no homozygotes.

Submissions (3):

Ambry Genetics
Classification: Benign for Hereditary cancer-predisposing syndrome. Last evaluated: 2025-10-28. Review status: criteria provided, single submitter. Criteria: Ambry Variant Classification Scheme 2023. Collection method: clinical testing. Allele origin: germline.

Labcorp Genetics (formerly Invitae), Labcorp
Classification: Uncertain significance for Fanconi anemia complementation group O. Last evaluated: 2024-09-05. Review status: criteria provided, single submitter. Criteria: Invitae Variant Classification Sherloc (09022015). Collection method: clinical testing. Allele origin: germline.
Comment: This sequence change replaces histidine, which is basic and polar, with tyrosine, which is neutral and polar, at codon 276 of the RAD51C protein (p.His276Tyr). This variant is not present in population databases (gnomAD no frequency). This variant has not been reported in the literature in individuals affected with RAD51C-related conditions. ClinVar contains an entry for this variant (Variation ID: 576615). Invitae Evidence Modeling of protein sequence and biophysical properties (such as structural, functional, and spatial information, amino acid conservation, physicochemical variation, residue mobility, and thermodynamic stability) indicates that this missense variant is not expected to disrupt RAD51C protein function with a negative predictive value of 80%. In summary, the available evidence is currently insufficient to determine the role of this variant in disease. Therefore, it has been classified as a Variant of Uncertain Significance.

Fulgent Genetics
Classification: Uncertain significance for Fanconi anemia complementation group O; Breast-ovarian cancer, familial, susceptibility to, 3. Last evaluated: 2024-03-11. Review status: criteria provided, single submitter. Criteria: ACMG Guidelines, 2015. Collection method: clinical testing. Allele origin: germline.